The following is an entry in ClinVar:

NM_001079872.2(CUL4B):c.1356T>G (p.Ile452Met)

Gene: CUL4B (cullin 4B; minus strand). Cytogenetic location: Xq24.
Variant type: single nucleotide variant.
Coding change: c.1356T>G on transcript NM_001079872.2 (MANE Select); coding-DNA position 1356, T replaced by G.
Protein change: p.Ile452Met; replaces isoleucine 452 with methionine.
Molecular consequence: missense variant.
Genome position (GRCh38, 1-based): chrX:120,541,689, A>C on the plus strand (T>G on the coding strand, the complement: CUL4B is on the minus strand). VCF-style: chrX-120541689-A-C. GRCh37 (hg19) VCF-style: chrX-119675544-A-C.
Other names: c.1371T>G, p.Ile457Met (NM_001330624.2); c.822T>G, p.Ile274Met (NM_001369145.1); c.1410T>G, p.Ile470Met (NM_003588.4); short protein forms I452M, I274M, I457M, I470M.
Identifiers: ClinVar variation 3648730 (VCV003648730.2).

ClinVar aggregate classification (germline): Uncertain significance (1 of 4 stars; one submission).

Conditions:
X-linked intellectual disability Cabezas type (MRXSC). Also called: Intellectual developmental disorder, X-linked syndromic, Cabezas type; CABEZAS SYNDROME; MENTAL RETARDATION, X-LINKED, SYNDROMIC 15. Identifiers: Orphanet 85289, Orphanet 85293, MedGen C1845861, MONDO:0010306, OMIM 300354.

Submission:

Labcorp Genetics (formerly Invitae), Labcorp
Classification: Uncertain significance for X-linked intellectual disability Cabezas type. Last evaluated: 2024-04-03. Review status: criteria provided, single submitter. Criteria: Invitae Variant Classification Sherloc (09022015). Collection method: clinical testing. Allele origin: germline.
Comment: This sequence change replaces isoleucine, which is neutral and non-polar, with methionine, which is neutral and non-polar, at codon 470 of the CUL4B protein (p.Ile470Met). This variant is not present in population databases (gnomAD no frequency). This variant has not been reported in the literature in individuals affected with CUL4B-related conditions. Advanced modeling of protein sequence and biophysical properties (such as structural, functional, and spatial information, amino acid conservation, physicochemical variation, residue mobility, and thermodynamic stability) performed at Invitae indicates that this missense variant is not expected to disrupt CUL4B protein function with a negative predictive value of 80%. In summary, the available evidence is currently insufficient to determine the role of this variant in disease. Therefore, it has been classified as a Variant of Uncertain Significance.